The following is an entry in ClinVar:

NM_000169.3(GLA):c.465T>A (p.Asp155Glu)

Genes: GLA (galactosidase alpha; minus strand), RPL36A-HNRNPH2 (RPL36A-HNRNPH2 readthrough; plus strand). Cytogenetic location: Xq22.1.
Variant type: single nucleotide variant.
Coding change: c.465T>A on transcript NM_000169.3 (MANE Select); coding-DNA position 465, T replaced by A.
Protein change: p.Asp155Glu; replaces aspartic acid 155 with glutamic acid.
Molecular consequence: missense variant. On other transcripts: non-coding transcript variant (3), intron variant (2).
Genome position (GRCh38, 1-based): chrX:101,401,714, A>T on the plus strand (T>A on the coding strand, the complement: GLA is on the minus strand). VCF-style: chrX-101401714-A-T. GRCh37 (hg19) VCF-style: chrX-100656702-A-T.
Other names: c.588T>A, p.Asp196Glu (NM_001406747.1, NM_001406749.1); c.465T>A, p.Asp155Glu (NM_001406748.1); c.300+6257A>T (NM_001199973.2); c.177+9892A>T (NM_001199974.2); short protein forms D155E, D196E.
Identifiers: ClinVar variation 3385332 (VCV003385332.4), dbSNP rs782197072.

ClinVar aggregate classification (germline): Likely pathogenic. Review status: criteria provided, multiple submitters, no conflicts (2 of 4 stars). 2 submissions from 2 submitters: Likely pathogenic (2). Last evaluated 2026-09-08.

Conditions:
Fabry disease. Also called: Fabry's disease; Angiokeratoma corporis diffusum; ALPHA-GALACTOSIDASE A DEFICIENCY; ANDERSON-FABRY DISEASE; CERAMIDE TRIHEXOSIDASE DEFICIENCY; GLA DEFICIENCY. Identifiers: Orphanet 324, MedGen C0002986, MONDO:0010526, OMIM 301500, HP:0001071. Disease mechanism: Fabry disease is due to inactivating mutations in the X-linked GLA gene resulting in deficiency of the enzyme Alpha Galactosidase-A., loss of function.

Submissions (2):

Genomenon, Inc
Classification: Likely pathogenic for Fabry disease. Last evaluated: 2026-09-08. Review status: criteria provided, single submitter. Criteria: Genomenon Sequence Variant Interpretation Standards - Updated. Collection method: curation. Allele origin: germline. Affected: yes.
Comment: GLA p.Asp155Glu (c.465T>A) is a missense variant that changes the amino acid at codon 155 from Aspartic acid to Glutamic acid. This variant has been observed in at least one proband with clinical features consistent with Fabry disease (PMID:30988410). The variant was found to segregate with disease in at least one affected family (PMID:30988410). It is absent or not present at a significant frequency in gnomAD. In silico models predict that this variant is possibly or probably damaging. In conclusion, we classify GLA p.Asp155Glu (c.465T>A) as a likely pathogenic variant.

First Hospital of Lanzhou University, Lanzhou University
Classification: Likely pathogenic for Fabry disease. Last evaluated: 2024-10-24. Review status: criteria provided, single submitter. Criteria: ACMG Guidelines, 2015. Collection method: clinical testing. Allele origin: maternal. Inheritance: X-linked dominant inheritance. Affected: yes. Observed: 3 variant alleles, 1 heterozygote, 2 hemizygotes. Clinical features observed: Proteinuria (HP:0000093), Neuropathic pain (HP:6000040), Left ventricular hypertrophy (HP:0001712), Complete right bundle branch block (HP:0011712).
Comment: The Asp155Glu variant in the GLA gene has been previously reported in a Japanese family (PMID: 30988410), involving two male patients and one female patient. Furthermore, our in vitro experiments demonstrate that this mutation results in a significant reduction in enzymatic activity. In summary, the Asp155Glu variant meets the criteria for classification as pathogenic.

Literature cited by the submitters: PubMed 30988410 (cited by Genomenon, Inc).